The following is an entry in ClinVar:

NM_005529.7(HSPG2):c.7750C>T (p.Arg2584Trp)

Gene: HSPG2 (heparan sulfate proteoglycan 2; minus strand). Cytogenetic location: 1p36.12.
Variant type: single nucleotide variant.
Coding change: c.7750C>T on transcript NM_005529.7 (MANE Select); coding-DNA position 7750, C replaced by T.
Protein change: p.Arg2584Trp; replaces arginine 2584 with tryptophan.
Molecular consequence: missense variant.
Genome position (GRCh38, 1-based): chr1:21,848,081, G>A on the plus strand (C>T on the coding strand, the complement: HSPG2 is on the minus strand). VCF-style: chr1-21848081-G-A. GRCh37 (hg19) VCF-style: chr1-22174574-G-A.
Other names: c.7753C>T, p.Arg2585Trp (NM_001291860.2); c.7750C>T (NM_005529.5); short protein forms R2584W, R2585W.
Identifiers: ClinVar variation 586003 (VCV000586003.10), dbSNP rs760052323, ClinGen allele CA671069.

ClinVar aggregate classification (germline): Uncertain significance. Review status: criteria provided, multiple submitters, no conflicts (2 of 4 stars). 3 submissions from 3 submitters: Uncertain significance (3). Last evaluated 2024-02-17.

Conditions:
Inborn genetic diseases. Identifiers: MedGen C0950123, MeSH D030342.

Allele frequency attached by ClinVar (database versions not stated): gnomAD exomes 0.00001; ExAC 0.00002; gnomAD 0.00003; TOPMed 0.00006.
gnomAD v4.1: 14 of 1,603,854 alleles (0.00087%); highest among the groups gnomAD compares: Admixed American, 0.0068%; no homozygotes.

Submissions (3):

Labcorp Genetics (formerly Invitae), Labcorp
Classification: Uncertain significance. Last evaluated: 2024-02-17. Review status: criteria provided, single submitter. Criteria: Invitae Variant Classification Sherloc (09022015). Collection method: clinical testing. Allele origin: germline.
Comment: This sequence change replaces arginine, which is basic and polar, with tryptophan, which is neutral and slightly polar, at codon 2584 of the HSPG2 protein (p.Arg2584Trp). The frequency data for this variant in the population databases is considered unreliable, as metrics indicate poor data quality at this position in the gnomAD database. This variant has not been reported in the literature in individuals affected with HSPG2-related conditions. ClinVar contains an entry for this variant (Variation ID: 586003). An algorithm developed to predict the effect of missense changes on protein structure and function (PolyPhen-2) suggests that this variant is likely to be disruptive. In summary, the available evidence is currently insufficient to determine the role of this variant in disease. Therefore, it has been classified as a Variant of Uncertain Significance.

Ambry Genetics
Classification: Uncertain significance for Inborn genetic diseases. Last evaluated: 2022-10-03. Review status: criteria provided, single submitter. Criteria: Ambry Variant Classification Scheme 2023. Collection method: clinical testing. Allele origin: germline.

Athena Diagnostics
Classification: Uncertain significance. Last evaluated: 2017-10-04. Review status: criteria provided, single submitter. Criteria: Athena Diagnostics Criteria. Collection method: clinical testing. Allele origin: germline.